The following is an entry in ClinVar:

NM_000093.5(COL5A1):c.1906G>A (p.Ala636Thr)

Gene: COL5A1 (collagen type V alpha 1 chain; plus strand). Cytogenetic location: 9q34.3.
Variant type: single nucleotide variant.
Coding change: c.1906G>A on transcript NM_000093.5 (MANE Select); coding-DNA position 1906, G replaced by A.
Protein change: p.Ala636Thr; replaces alanine 636 with threonine.
Molecular consequence: missense variant.
Genome position (GRCh38, 1-based): chr9:134,758,267, G>A. VCF-style: chr9-134758267-G-A. GRCh37 (hg19) VCF-style: chr9-137650113-G-A.
Other names: c.1906G>A, p.Ala636Thr (NM_001278074.1); short protein forms A636T.
Identifiers: ClinVar variation 4687112 (VCV004687112.2).

ClinVar aggregate classification (germline): Conflicting classifications of pathogenicity. Review status: criteria provided, conflicting classifications (1 of 4 stars). 2 submissions from 2 submitters: Uncertain significance (1); Benign (1). Last evaluated 2025-11-25.

Conditions:
Ehlers-Danlos syndrome, classic type, 1 (EDSCL1). Also called: EHLERS-DANLOS SYNDROME, GRAVIS TYPE; EHLERS-DANLOS SYNDROME, SEVERE CLASSIC TYPE; Ehlers-Danlos syndrome, type 1; Ehlers-Danlos Syndrome, Classic Type, COL5A1-Related; EDS I. Identifiers: MedGen C0268335, MONDO:0019567, OMIM 130000.

gnomAD v4.1: 2 of 1,614,038 alleles (0.00012%); highest among the groups gnomAD compares: Middle Eastern, 0.016%; no homozygotes.

Submissions (2):

Labcorp Genetics (formerly Invitae), Labcorp
Classification: Benign for Ehlers-Danlos syndrome, classic type, 1. Last evaluated: 2025-11-25. Review status: criteria provided, single submitter. Criteria: Invitae Variant Classification Sherloc (09022015). Collection method: clinical testing. Allele origin: germline.

Women's Health and Genetics/Laboratory Corporation of America, LabCorp
Classification: Uncertain significance. Last evaluated: 2025-10-22. Review status: criteria provided, single submitter. Criteria: LabCorp Variant Classification Summary - May 2015. Collection method: clinical testing. Allele origin: germline.
Comment: Variant summary: COL5A1 c.1906G>A (p.Ala636Thr) results in a non-conservative amino acid change in the encoded protein sequence. Algorithms developed to predict the effect of missense changes on protein structure and function all suggest that this variant is likely to be disruptive. The variant allele was found at a frequency of 4e-06 in 250886 control chromosomes. The available data on variant occurrences in the general population are insufficient to allow any conclusion about variant significance. To our knowledge, no occurrence of c.1906G>A in individuals affected with COL5A1-related conditions and no experimental evidence demonstrating its impact on protein function have been reported. No submitters have cited clinical-significance assessments for this variant to ClinVar. Based on the evidence outlined above, the variant was classified as uncertain significance.